The following is an entry in ClinVar:

ClinVar aggregate classification (germline): Uncertain significance (1 of 4 stars; one submission).

Allele frequency attached by ClinVar (database versions not stated): gnomAD 0.00001.
gnomAD v4.1: 5 of 1,614,016 alleles (0.00031%); highest among the groups gnomAD compares: African/African-American, 0.0013%; no homozygotes.

Submission:

Labcorp Genetics (formerly Invitae), Labcorp
Classification: Uncertain significance. Last evaluated: 2023-05-19. Review status: criteria provided, single submitter. Criteria: Invitae Variant Classification Sherloc (09022015). Collection method: clinical testing. Allele origin: germline.
Comment: In summary, the available evidence is currently insufficient to determine the role of this variant in disease. Therefore, it has been classified as a Variant of Uncertain Significance. Advanced modeling of protein sequence and biophysical properties (such as structural, functional, and spatial information, amino acid conservation, physicochemical variation, residue mobility, and thermodynamic stability) performed at Invitae indicates that this missense variant is not expected to disrupt SRCAP protein function. This variant has not been reported in the literature in individuals affected with SRCAP-related conditions. This variant is present in population databases (no rsID available, gnomAD 0.003%). This sequence change replaces serine, which is neutral and polar, with isoleucine, which is neutral and non-polar, at codon 474 of the SRCAP protein (p.Ser474Ile).

NM_006662.3(SRCAP):c.1421G>T (p.Ser474Ile)

Gene: SRCAP (Snf2 related CREBBP activator protein; plus strand). Cytogenetic location: 16p11.2.
Variant type: single nucleotide variant.
Coding change: c.1421G>T on transcript NM_006662.3 (MANE Select); coding-DNA position 1421, G replaced by T.
Protein change: p.Ser474Ile; replaces serine 474 with isoleucine.
Molecular consequence: missense variant.
Genome position (GRCh38, 1-based): chr16:30,711,673, G>T. VCF-style: chr16-30711673-G-T. GRCh37 (hg19) VCF-style: chr16-30722994-G-T.
Other names: short protein forms S474I.
Identifiers: ClinVar variation 2909307 (VCV002909307.3), dbSNP rs916864511, ClinGen allele CA395603768.